The following is an entry in ClinVar:

ClinVar aggregate classification (germline): Conflicting classifications of pathogenicity. Review status: criteria provided, conflicting classifications (1 of 4 stars). 5 submissions from 5 submitters: Uncertain significance (4); Benign (1). Last evaluated 2025-01-25.

Conditions:
DNAH5-related disorder. Also called: DNAH5-related condition.
Primary ciliary dyskinesia. Also called: Ciliary dyskinesia. Identifiers: Orphanet 244, MedGen C0008780, MONDO:0016575, HP:0012265.
Primary ciliary dyskinesia 3. Identifiers: Orphanet 244, MedGen C1837618, MONDO:0012085, OMIM 608644.

Allele frequency attached by ClinVar (database versions not stated): gnomAD exomes below 0.00001 and 0.00002; ExAC 0.00002; gnomAD 0.00009; TOPMed 0.00012; ESP Exome Variant Server 0.00015.
gnomAD v4.1: 18 of 1,614,136 alleles (0.0011%); highest among the groups gnomAD compares: African/African-American, 0.024%; no homozygotes.

Submissions (5):

PreventionGenetics, part of Exact Sciences
Classification: Uncertain significance for DNAH5-related condition. Last evaluated: 2025-01-25. Review status: criteria provided, single submitter. Criteria: ACMG Guidelines, 2015. Collection method: clinical testing. Allele origin: germline.
Comment: The DNAH5 c.13070C>G variant is predicted to result in the amino acid substitution p.Ala4357Gly. To our knowledge, this variant has not been reported in the literature. This variant is reported in 0.028% of alleles in individuals of African descent in gnomAD. At this time, the clinical significance of this variant is uncertain due to the absence of conclusive functional and genetic evidence.

Labcorp Genetics (formerly Invitae), Labcorp
Classification: Benign for Primary ciliary dyskinesia. Last evaluated: 2024-03-10. Review status: criteria provided, single submitter. Criteria: Invitae Variant Classification Sherloc (09022015). Collection method: clinical testing. Allele origin: germline.

Ambry Genetics
Classification: Uncertain significance for Primary ciliary dyskinesia. Last evaluated: 2021-09-17. Review status: criteria provided, single submitter. Criteria: Ambry Variant Classification Scheme 2023. Collection method: clinical testing. Allele origin: germline.

Illumina Laboratory Services, Illumina
Classification: Uncertain significance for Primary ciliary dyskinesia 3. Last evaluated: 2018-01-13. Review status: criteria provided, single submitter. Criteria: ICSL Variant Classification Criteria 13 December 2019. Collection method: clinical testing. Allele origin: germline.

Eurofins Ntd Llc (ga)
Classification: Uncertain significance. Last evaluated: 2016-11-09. Review status: criteria provided, single submitter. Criteria: EGL Classification Definitions 2015. Collection method: clinical testing. Allele origin: germline. Observed: 1 variant allele, 1 heterozygote.

NM_001369.3(DNAH5):c.13070C>G (p.Ala4357Gly)

Gene: DNAH5 (dynein axonemal heavy chain 5; minus strand). Cytogenetic location: 5p15.2.
Variant type: single nucleotide variant.
Coding change: c.13070C>G on transcript NM_001369.3 (MANE Select); coding-DNA position 13070, C replaced by G.
Protein change: p.Ala4357Gly; replaces alanine 4357 with glycine.
Molecular consequence: missense variant.
Genome position (GRCh38, 1-based): chr5:13,714,460, G>C on the plus strand (C>G on the coding strand, the complement: DNAH5 is on the minus strand). VCF-style: chr5-13714460-G-C. GRCh37 (hg19) VCF-style: chr5-13714569-G-C.
Other names: short protein forms A4357G.
Identifiers: ClinVar variation 351007 (VCV000351007.16), dbSNP rs368776967, ClinGen allele CA3201460.